The following is an entry in ClinVar:

ClinVar aggregate classification (germline): Uncertain significance. Review status: criteria provided, multiple submitters, no conflicts (2 of 4 stars). 11 submissions from 11 submitters: Uncertain significance (11). Last evaluated 2026-06-26.

Conditions:
CSRP3-related disorder. Also called: CSRP3-related disorders; CSRP3-related condition.
Cardiovascular phenotype. Identifiers: MedGen CN230736.
Hypertrophic cardiomyopathy 12. Identifiers: MedGen C2677491, MONDO:0012804, OMIM 612124.
Dilated cardiomyopathy 1M (CMD1M). Identifiers: Orphanet 154, MedGen C1843808, MONDO:0011840, OMIM 607482.
Cardiomyopathy (CMYO). Also called: Cardiomyopathies. Identifiers: Orphanet 167848, MedGen C0878544, MONDO:0004994, HP:0001638. Inheritance: Various modes of inheritance.
Hypertrophic cardiomyopathy. Also called: HYPERTROPHIC MYOCARDIOPATHY. Identifiers: Orphanet 217569, MedGen C0007194, MeSH D002312, MONDO:0005045, HP:0001639.

Allele frequency attached by ClinVar (database versions not stated): gnomAD exomes 0.00001 and 0.00002; ExAC 0.00002; gnomAD 0.00003 and 0.00004; TOPMed 0.00003; ESP Exome Variant Server 0.00008.
gnomAD v4.1: 32 of 1,614,058 alleles (0.002%); highest among the groups gnomAD compares: Middle Eastern, 0.016%; no homozygotes.

Submissions (11):

PreventionGenetics, part of Exact Sciences
Classification: Uncertain significance for CSRP3-related condition. Last evaluated: 2026-06-26. Review status: criteria provided, single submitter. Criteria: ACMG Guidelines, 2015. Collection method: clinical testing. Allele origin: germline.
Comment: The CSRP3 c.436C>T variant is predicted to result in the amino acid substitution p.Arg146Cys. This variant has been reported in two individuals with hypertrophic cardiomyopathy (Burns et al. 2017. PubMed ID: 28790153) and an individual with suspected non-ischemic cardiomyopathy (Vokač et al. 2024. PubMed ID: 38254962). This variant is reported in 0.0018% of alleles in individuals of European (Non-Finnish) descent in gnomAD. An alternate nucleotide change affecting the same amino acid (p.Arg146His) has also been reported in individuals with hypertrophic cardiomyopathy or long QT syndrome (Burns et al. 2017. PubMed ID: 28790153; Robyns et al. 2017. PubMed ID: 29255176; van Lint et al. 2019. PubMed ID: 30847666). At this time, the clinical significance of this variant is uncertain due to the absence of conclusive functional and genetic evidence.

GeneDx
Classification: Uncertain significance. Last evaluated: 2025-10-10. Review status: criteria provided, single submitter. Criteria: GeneDx Variant Classification Process June 2021. Collection method: clinical testing. Allele origin: germline. Affected: yes.
Comment: Identified in association with HCM and non-ischemic cardiomyopathy in several unrelated individuals referred for genetic testing at GeneDx and in published literature (PMID: 28790153); Not observed at significant frequency in large population cohorts (gnomAD); In silico analysis supports that this missense variant has a deleterious effect on protein structure/function; This variant is associated with the following publications: (PMID: 28790153, 38254962)

Labcorp Genetics (formerly Invitae), Labcorp
Classification: Uncertain significance for Hypertrophic cardiomyopathy 12; Dilated cardiomyopathy 1M. Last evaluated: 2025-07-20. Review status: criteria provided, single submitter. Criteria: Invitae Variant Classification Sherloc (09022015). Collection method: clinical testing. Allele origin: germline.
Comment: This sequence change replaces arginine, which is basic and polar, with cysteine, which is neutral and slightly polar, at codon 146 of the CSRP3 protein (p.Arg146Cys). This variant is present in population databases (rs376198883, gnomAD 0.004%). This missense change has been observed in individual(s) with hypertrophic cardiomyopathy (PMID: 28790153). ClinVar contains an entry for this variant (Variation ID: 426380). An algorithm developed to predict the effect of missense changes on protein structure and function (PolyPhen-2) suggests that this variant is likely to be disruptive. In summary, the available evidence is currently insufficient to determine the role of this variant in disease. Therefore, it has been classified as a Variant of Uncertain Significance.

Molecular Diagnostic Laboratory for Inherited Cardiovascular Disease, Montreal Heart Institute
Classification: Uncertain significance for Cardiovascular phenotype. Last evaluated: 2025-04-09. Review status: criteria provided, single submitter. Criteria: ACMG Guidelines, 2015. Collection method: clinical testing. Allele origin: germline. Affected: yes.

Blueprint Genetics
Classification: Uncertain significance. Last evaluated: 2024-07-05. Review status: criteria provided, single submitter. Criteria: ACMG Guidelines, 2015. Collection method: clinical testing. Allele origin: germline.

Ambry Genetics
Classification: Uncertain significance for Cardiovascular phenotype. Last evaluated: 2024-05-22. Review status: criteria provided, single submitter. Criteria: Ambry Variant Classification Scheme 2023. Collection method: clinical testing. Allele origin: germline.
Comment: The p.R146C variant (also known as c.436C>T), located in coding exon 4 of the CSRP3 gene, results from a C to T substitution at nucleotide position 436. The arginine at codon 146 is replaced by cysteine, an amino acid with highly dissimilar properties. This variant has been detected in a hypertrophic cardiomyopathy cohort; however, clinical details were limited (Burns C et al. Circ Cardiovasc Genet, 2017 Aug;10). This amino acid position is highly conserved in available vertebrate species. In addition, this alteration is predicted to be deleterious by in silico analysis. Since supporting evidence is limited at this time, the clinical significance of this alteration remains unclear.

Genetics and Molecular Pathology, SA Pathology
Classification: Uncertain significance for Hypertrophic cardiomyopathy. Last evaluated: 2023-06-08. Review status: criteria provided, single submitter. Criteria: ACMG Guidelines, 2015. Collection method: clinical testing. Allele origin: germline. Affected: yes.
Comment: The CSRP3 c.436C>T variant is classified as VUS (PM2, PS4_Supporting, PP3) The CSRP3 c.436C>T variant is a single nucleotide change in exon 5/6 of the CSRP3 gene, which is predicted to change the amino acid arginine at position 146 in the protein, to cysteine. The variant has been reported in 9 probands with a clinical presentation of hypertrophic cardiomyopathy (PMID#28790153/ClinVar) and is rare in population databases (gnomAD allele frequency = 0.0039%; 6 het) (PM2). Computational predictions support a deleterious effect on the gene or gene product (PP3). The variant has been reported in dbSNP (rs376198883), is reported as ?disease causing in the HGMD database (CM1712561) and is reported as uncertain significance by other diagnostic laboratories (ClinVar Variation ID: 426380).

Clinical Center for Gene Diagnosis and Therapy, Department of Cardiovascular Surgery, The Second Xiangya Hospital of Central South University
Classification: Uncertain significance for Hypertrophic cardiomyopathy. Last evaluated: 2023-06-01. Review status: criteria provided, single submitter. Criteria: ACMG Guidelines, 2015. Collection method: clinical testing. Allele origin: germline. Affected: yes.

AiLife Diagnostics
Classification: Uncertain significance. Last evaluated: 2021-11-18. Review status: criteria provided, single submitter. Criteria: ACMG Guidelines, 2015. Collection method: clinical testing. Allele origin: germline. Affected: yes. Observed: 1 variant allele.

Fulgent Genetics
Classification: Uncertain significance for Dilated cardiomyopathy 1M; Hypertrophic cardiomyopathy 12. Last evaluated: 2021-08-03. Review status: criteria provided, single submitter. Criteria: ACMG Guidelines, 2015. Collection method: clinical testing. Allele origin: unknown.

CHEO Genetics Diagnostic Laboratory, Children's Hospital of Eastern Ontario
Classification: Uncertain significance for Cardiomyopathy. Last evaluated: 2017-01-10. Review status: criteria provided, single submitter. Criteria: ACMG Guidelines, 2015. Collection method: clinical testing. Allele origin: germline. Study: Canadian Open Genetics Repository.

Literature cited by the submitters: PubMed 28790153 (cited by 4 submitters).

NM_003476.5(CSRP3):c.436C>T (p.Arg146Cys)

Gene: CSRP3 (cysteine and glycine rich protein 3; minus strand). Cytogenetic location: 11p15.1.
Variant type: single nucleotide variant.
Coding change: c.436C>T on transcript NM_003476.5 (MANE Select); coding-DNA position 436, C replaced by T.
Protein change: p.Arg146Cys; replaces arginine 146 with cysteine.
Molecular consequence: missense variant. On other transcripts: synonymous variant (1).
Genome position (GRCh38, 1-based): chr11:19,185,024, G>A on the plus strand (C>T on the coding strand, the complement: CSRP3 is on the minus strand). VCF-style: chr11-19185024-G-A. GRCh37 (hg19) VCF-style: chr11-19206571-G-A.
Other names: c.267C>T, p.Ser89= (NM_001369404.1); short protein forms R146C.
Identifiers: ClinVar variation 426380 (VCV000426380.41), dbSNP rs376198883, ClinGen allele CA5916539.